The following is an entry in ClinVar:

NM_002474.3(MYH11):c.2653-3C>T

Gene: MYH11 (myosin heavy chain 11; minus strand). Cytogenetic location: 16p13.11.
Variant type: single nucleotide variant.
Coding change: c.2653-3C>T on transcript NM_002474.3 (MANE Select); 3 bases into the intron before coding-DNA position 2653, C replaced by T.
Molecular consequence: intron variant.
Genome position (GRCh38, 1-based): chr16:15,741,672, G>A on the plus strand (C>T on the coding strand, the complement: MYH11 is on the minus strand). VCF-style: chr16-15741672-G-A. GRCh37 (hg19) VCF-style: chr16-15835529-G-A.
Other names: c.2653-3C>T (NM_022844.3); c.2674-3C>T (NM_001040114.2, NM_001040113.2).
Identifiers: ClinVar variation 663319 (VCV000663319.8), dbSNP rs571588512, ClinGen allele CA7922189.

ClinVar aggregate classification (germline): Conflicting classifications of pathogenicity. Review status: criteria provided, conflicting classifications (1 of 4 stars). 2 submissions from 2 submitters: Uncertain significance (1); Likely benign (1). Last evaluated 2024-12-12.

Conditions:
Familial thoracic aortic aneurysm and aortic dissection (TAAD). Also called: Thoracic aortic aneurysms and dissections. Identifiers: Orphanet 91387, MedGen C4707243, MONDO:0019625.
Aortic aneurysm, familial thoracic 4 (AAT4). Also called: AORTIC ANEURYSM/AORTIC DISSECTION AND PATENT DUCTUS ARTERIOSUS. Identifiers: MedGen C1851504, MONDO:0007568, OMIM 132900.

Allele frequency attached by ClinVar (database versions not stated): gnomAD exomes below 0.00001 and 0.00001; ExAC 0.00001; gnomAD 0.00001; TOPMed 0.00001; 1000 Genomes Project 0.00020; 1000 Genomes Project 30x 0.00031.
gnomAD v4.1: 9 of 1,613,890 alleles (0.00056%); highest among the groups gnomAD compares: Admixed American, 0.015%; no homozygotes.

Submissions (2):

Labcorp Genetics (formerly Invitae), Labcorp
Classification: Uncertain significance for Aortic aneurysm, familial thoracic 4. Last evaluated: 2024-12-12. Review status: criteria provided, single submitter. Criteria: Invitae Variant Classification Sherloc (09022015). Collection method: clinical testing. Allele origin: germline.
Comment: This sequence change falls in intron 22 of the MYH11 gene. It does not directly change the encoded amino acid sequence of the MYH11 protein. It affects a nucleotide within the consensus splice site. This variant is present in population databases (rs571588512, gnomAD 0.003%). This variant has not been reported in the literature in individuals affected with MYH11-related conditions. ClinVar contains an entry for this variant (Variation ID: 663319). Variants that disrupt the consensus splice site are a relatively common cause of aberrant splicing (PMID: 17576681, 9536098). Algorithms developed to predict the effect of sequence changes on RNA splicing suggest that this variant is not likely to affect RNA splicing. In summary, the available evidence is currently insufficient to determine the role of this variant in disease. Therefore, it has been classified as a Variant of Uncertain Significance.

Color Diagnostics, LLC DBA Color Health
Classification: Likely benign for Familial thoracic aortic aneurysm and aortic dissection. Last evaluated: 2018-12-01. Review status: criteria provided, single submitter. Criteria: ACMG Guidelines, 2015. Collection method: clinical testing. Allele origin: germline.

Literature cited by the submitters: PubMed 17576681 (cited by Labcorp Genetics (formerly Invitae), Labcorp); PubMed 9536098 (cited by Labcorp Genetics (formerly Invitae), Labcorp).